The following is an entry in ClinVar:

NM_182746.3(MCM4):c.1301A>G (p.Glu434Gly)

Gene: MCM4 (minichromosome maintenance complex component 4; plus strand). Cytogenetic location: 8q11.21.
Variant type: single nucleotide variant.
Coding change: c.1301A>G on transcript NM_182746.3 (MANE Select); coding-DNA position 1301, A replaced by G.
Protein change: p.Glu434Gly; replaces glutamic acid 434 with glycine.
Molecular consequence: missense variant.
Genome position (GRCh38, 1-based): chr8:47,969,924, A>G. VCF-style: chr8-47969924-A-G. GRCh37 (hg19) VCF-style: chr8-48882484-A-G.
Other names: c.1301A>G, p.Glu434Gly (NM_005914.4); short protein forms E434G.
Identifiers: ClinVar variation 1442034 (VCV001442034.6), dbSNP rs2154505299, ClinGen allele CA371151434.
Genomic context (GRCh38, chr8:47,969,924, plus strand): 5'-CCCACATTGATGTCATTCATTATCGGAAAACGGATGCAAAACGTCTGCATGGCCTTGATG[A>G]AGAAGCAGAACAGAAACTTTTTTCAGAGAAACGTGTGGAATTGCTTAAGGAACTTTCCAG-3'
Protein context (NP_877423.1, residues 424-444): TDAKRLHGLD[Glu434Gly]EAEQKLFSEK

ClinVar aggregate classification (germline): Uncertain significance (1 of 4 stars; one submission).

Submission:

Labcorp Genetics (formerly Invitae), Labcorp
Classification: Uncertain significance. Last evaluated: 2023-12-22. Review status: criteria provided, single submitter. Criteria: Invitae Variant Classification Sherloc (09022015). Collection method: clinical testing. Allele origin: germline.
Comment: This sequence change replaces glutamic acid, which is acidic and polar, with glycine, which is neutral and non-polar, at codon 434 of the MCM4 protein (p.Glu434Gly). This variant is not present in population databases (gnomAD no frequency). This variant has not been reported in the literature in individuals affected with MCM4-related conditions. ClinVar contains an entry for this variant (Variation ID: 1442034). An algorithm developed to predict the effect of missense changes on protein structure and function (PolyPhen-2) suggests that this variant is likely to be tolerated. In summary, the available evidence is currently insufficient to determine the role of this variant in disease. Therefore, it has been classified as a Variant of Uncertain Significance.